The following is an entry in ClinVar:

NM_172245.4(CSF2RA):c.536A>G (p.His179Arg)

Gene: CSF2RA (colony stimulating factor 2 receptor subunit alpha; plus strand). Cytogenetic location: Xp22.33.
Variant type: single nucleotide variant.
Coding change: c.536A>G on transcript NM_172245.4 (MANE Select); coding-DNA position 536, A replaced by G.
Protein change: p.His179Arg; replaces histidine 179 with arginine.
Molecular consequence: missense variant. On other transcripts: non-coding transcript variant (1).
Genome position (GRCh38, 1-based): chrX:1,290,399, A>G. VCF-style: chrX-1290399-A-G. GRCh37 (hg19) VCF-style: chrX-1409292-A-G.
Other names: c.536A>G, p.His179Arg (NM_001161529.2, NM_001161530.2, NM_001161531.2 and 20 more transcripts); c.137A>G, p.His46Arg (NM_001161532.2); short protein forms H46R, H179R.
Identifiers: ClinVar variation 1356236 (VCV001356236.8), dbSNP rs2148416836, ClinGen allele CA412235611.

ClinVar aggregate classification (germline): Uncertain significance (1 of 4 stars; one submission).

Conditions:
Surfactant metabolism dysfunction, pulmonary, 4 (SMDP4). Also called: CSF2RA DEFICIENCY; PAP DUE TO CSF2RA DEFICIENCY; PULMONARY ALVEOLAR PROTEINOSIS, CONGENITAL, 4. Identifiers: Orphanet 264675, MedGen C2677877, MONDO:0010424, OMIM 300770.

Submission:

Labcorp Genetics (formerly Invitae), Labcorp
Classification: Uncertain significance for Surfactant metabolism dysfunction, pulmonary, 4. Last evaluated: 2025-07-28. Review status: criteria provided, single submitter. Criteria: Invitae Variant Classification Sherloc (09022015). Collection method: clinical testing. Allele origin: germline.
Comment: This sequence change replaces histidine, which is basic and polar, with arginine, which is basic and polar, at codon 179 of the CSF2RA protein (p.His179Arg). This variant is not present in population databases (gnomAD no frequency). This variant has not been reported in the literature in individuals affected with CSF2RA-related conditions. ClinVar contains an entry for this variant (Variation ID: 1356236). Invitae Evidence Modeling of protein sequence and biophysical properties (such as structural, functional, and spatial information, amino acid conservation, physicochemical variation, residue mobility, and thermodynamic stability) indicates that this missense variant is not expected to disrupt CSF2RA protein function with a negative predictive value of 80%. In summary, the available evidence is currently insufficient to determine the role of this variant in disease. Therefore, it has been classified as a Variant of Uncertain Significance.